The following is an entry in ClinVar:

ClinVar aggregate classification (germline): Benign/Likely benign. Review status: criteria provided, multiple submitters, no conflicts (2 of 4 stars). 6 submissions from 6 submitters: Benign (3); Likely benign (3). Last evaluated 2025-02-18.

Conditions:
Inborn genetic diseases. Identifiers: MedGen C0950123, MeSH D030342.

Allele frequency attached by ClinVar (database versions not stated): gnomAD 0.00278 and 0.00298; TOPMed 0.00317; 1000 Genomes Project 0.00319; 1000 Genomes Project 30x 0.00344; gnomAD exomes 0.00028 and 0.00087; ExAC 0.00102; ESP Exome Variant Server 0.00261.
gnomAD v4.1: 869 of 1,614,214 alleles (0.054%); highest among the groups gnomAD compares: African/African-American, 0.93%; 4 homozygotes.

Submissions (6):

Athena Diagnostics
Classification: Benign. Last evaluated: 2025-02-18. Review status: criteria provided, single submitter. Criteria: Athena Diagnostics Criteria. Collection method: clinical testing. Allele origin: unknown.
Comment: The frequency of this variant in the general population is higher than would generally be expected for pathogenic variants in this gene.

Blueprint Genetics
Classification: Likely benign. Last evaluated: 2024-11-11. Review status: criteria provided, single submitter. Criteria: ACMG Guidelines, 2015. Collection method: clinical testing. Allele origin: germline.

Mayo Clinic Laboratories, Mayo Clinic
Classification: Benign. Last evaluated: 2022-07-13. Review status: criteria provided, single submitter. Criteria: ACMG Guidelines, 2015. Collection method: clinical testing. Allele origin: germline. Observed: 6 variant alleles.
Comment: BS1, BS2

Ambry Genetics
Classification: Likely benign for Inborn genetic diseases. Last evaluated: 2018-02-05. Review status: criteria provided, single submitter. Criteria: Ambry Variant Classification Scheme 2023. Collection method: clinical testing. Allele origin: germline.

Eurofins Ntd Llc (ga)
Classification: Benign. Last evaluated: 2015-05-26. Review status: criteria provided, single submitter. Criteria: EGL Classification Definitions 2015. Collection method: clinical testing. Allele origin: germline. Observed: 1 variant allele, 1 heterozygote.

Breakthrough Genomics
Classification: Likely benign. Review status: criteria provided, single submitter. Criteria: ACMG Guidelines, 2015. Collection method: not provided. Allele origin: germline. Inheritance: Autosomal recessive inheritance. Affected: yes.

Literature cited by the submitters: PubMed 19852779 (cited by Athena Diagnostics).

NM_000144.5(FXN):c.626A>G (p.Asp209Gly)

Gene: FXN (frataxin; plus strand). Cytogenetic location: 9q21.11.
Variant type: single nucleotide variant.
Coding change: c.626A>G on transcript NM_000144.5 (MANE Select); coding-DNA position 626, A replaced by G.
Protein change: p.Asp209Gly; replaces aspartic acid 209 with glycine.
Molecular consequence: missense variant. On other transcripts: 3 prime UTR variant (1).
Genome position (GRCh38, 1-based): chr9:69,072,755, A>G. VCF-style: chr9-69072755-A-G. GRCh37 (hg19) VCF-style: chr9-71687671-A-G.
Other names: p.Asp209Gly; c.*43A>G (NM_181425.3); short protein forms D209G.
Identifiers: ClinVar variation 197632 (VCV000197632.14), dbSNP rs74621026, ClinGen allele CA202987.